The following is an entry in ClinVar:

ClinVar aggregate classification (germline): Uncertain significance (1 of 4 stars; one submission).

Conditions:
Genitopatellar syndrome (GTPTS). Also called: ABSENT PATELLAE, SCROTAL HYPOPLASIA, RENAL ANOMALIES, FACIAL DYSMORPHISM, AND MENTAL RETARDATION; Genitopatellar syndrome (GPS). Identifiers: Orphanet 85201, MedGen C1853566, MONDO:0011640, OMIM 606170.

Submission:

Labcorp Genetics (formerly Invitae), Labcorp
Classification: Uncertain significance for Genitopatellar syndrome. Last evaluated: 2024-04-16. Review status: criteria provided, single submitter. Criteria: Invitae Variant Classification Sherloc (09022015). Collection method: clinical testing. Allele origin: germline.
Comment: This sequence change replaces proline, which is neutral and non-polar, with leucine, which is neutral and non-polar, at codon 1743 of the KAT6B protein (p.Pro1743Leu). This variant is not present in population databases (gnomAD no frequency). This variant has not been reported in the literature in individuals affected with KAT6B-related conditions. ClinVar contains an entry for this variant (Variation ID: 2087614). An algorithm developed to predict the effect of missense changes on protein structure and function (PolyPhen-2) suggests that this variant is likely to be disruptive. In summary, the available evidence is currently insufficient to determine the role of this variant in disease. Therefore, it has been classified as a Variant of Uncertain Significance.

NM_012330.4(KAT6B):c.5228C>T (p.Pro1743Leu)

Gene: KAT6B (lysine acetyltransferase 6B; plus strand). Cytogenetic location: 10q22.2.
Variant type: single nucleotide variant.
Coding change: c.5228C>T on transcript NM_012330.4 (MANE Select); coding-DNA position 5228, C replaced by T.
Protein change: p.Pro1743Leu; replaces proline 1743 with leucine.
Molecular consequence: missense variant.
Genome position (GRCh38, 1-based): chr10:75,030,052, C>T. VCF-style: chr10-75030052-C-T. GRCh37 (hg19) VCF-style: chr10-76789810-C-T.
Other names: c.4679C>T, p.Pro1560Leu (NM_001256468.2, NM_001370138.1); c.4352C>T, p.Pro1451Leu (NM_001256469.2, NM_001370139.1, NM_001370140.1 and 2 more transcripts); c.4190C>T, p.Pro1397Leu (NM_001370132.1); c.3539C>T, p.Pro1180Leu (NM_001370133.1); c.3143C>T, p.Pro1048Leu (NM_001370134.1); c.2885C>T, p.Pro962Leu (NM_001370135.1); c.5228C>T, p.Pro1743Leu (NM_001370136.1, NM_001370137.1); c.4163C>T, p.Pro1388Leu (NM_001370143.1, NM_001370144.1); short protein forms P1180L, P1397L, P1048L, P1451L, P1743L, P1388L, P1560L, P962L.
Identifiers: ClinVar variation 2087614 (VCV002087614.4), dbSNP rs2549209314, ClinGen allele CA377300466.
Genomic context (GRCh38, chr10:75,030,052, plus strand): 5'-AGCAGATGTCCAACATCAGCGGGAGCTGCAGCATGCTGCAGCAAACCAGCATCAGCTCCC[C>T]TCCGACCTGCAGCGTCAAGTCTCCTCAAGGCTGTGTGGTGGAGAGGCCTCCGAGCAGCAG-3'
Protein context (NP_036462.2, residues 1733-1753): SMLQQTSISS[Pro1743Leu]PTCSVKSPQG